The following is an entry in ClinVar:

ClinVar aggregate classification (germline): Uncertain significance (1 of 4 stars; one submission).

Conditions:
Cardiovascular phenotype. Identifiers: MedGen CN230736.

Submission:

Ambry Genetics
Classification: Uncertain significance for Cardiovascular phenotype. Last evaluated: 2026-04-18. Review status: criteria provided, single submitter. Criteria: Ambry Variant Classification Scheme 2023. Collection method: clinical testing. Allele origin: germline.
Comment: The p.V405A variant (also known as c.1214T>C), located in coding exon 9 of the FKTN gene, results from a T to C substitution at nucleotide position 1214. The valine at codon 405 is replaced by alanine, an amino acid with similar properties. This amino acid position is conserved. In addition, this alteration is predicted to be tolerated by in silico analysis. Based on the available evidence, the clinical significance of this variant remains unclear.

NM_001079802.2(FKTN):c.1214T>C (p.Val405Ala)

Gene: FKTN (fukutin; plus strand). Cytogenetic location: 9q31.2.
Variant type: single nucleotide variant.
Coding change: c.1214T>C on transcript NM_001079802.2 (MANE Select); coding-DNA position 1214, T replaced by C.
Protein change: p.Val405Ala; replaces valine 405 with alanine.
Molecular consequence: missense variant. On other transcripts: 3 prime UTR variant (1), non-coding transcript variant (2).
Genome position (GRCh38, 1-based): chr9:105,635,092, T>C. VCF-style: chr9-105635092-T-C. GRCh37 (hg19) VCF-style: chr9-108397373-T-C.
Other names: c.1214T>C, p.Val405Ala (NM_001198963.2, NM_001351496.2, NM_006731.2); c.1145T>C, p.Val382Ala (NM_001351497.2); c.*6T>C (NM_001351498.2); c.818T>C, p.Val273Ala (NM_001351499.2, NM_001351500.2, NM_001351501.2 and 1 more transcripts); short protein forms V273A, V382A, V405A.
Identifiers: ClinVar variation 4871355 (VCV004871355.1).
Genomic context (GRCh38, chr9:105,635,092, plus strand): 5'-TCCCTCTGTTTTGCTGCAGATACCTGTTTCCGAAGTTTACACTGTGCTGGACTGAGTTTG[T>C]AGACATGAAGGTCCATGTACCCTGTGAAACCCTCGAATACATTGAAGCCAACTATGGTAA-3'
Protein context (NP_001073270.1, residues 395-415): PKFTLCWTEF[Val405Ala]DMKVHVPCET